The following is an entry in ClinVar:

NM_014967.5(FAN1):c.1090A>C (p.Asn364His)

Gene: FAN1 (FANCD2 and FANCI associated nuclease 1; plus strand). Cytogenetic location: 15q13.3.
Variant type: single nucleotide variant.
Coding change: c.1090A>C on transcript NM_014967.5 (MANE Select); coding-DNA position 1090, A replaced by C.
Protein change: p.Asn364His; replaces asparagine 364 with histidine.
Molecular consequence: missense variant.
Genome position (GRCh38, 1-based): chr15:30,905,753, A>C. VCF-style: chr15-30905753-A-C. GRCh37 (hg19) VCF-style: chr15-31197956-A-C.
Other names: c.1090A>C, p.Asn364His (NM_001146094.2, NM_001146095.1, NM_001146096.2); short protein forms N364H.
Identifiers: ClinVar variation 373299 (VCV000373299.13), dbSNP rs187082481, ClinGen allele CA7450182.

ClinVar aggregate classification (germline): Conflicting classifications of pathogenicity. Review status: criteria provided, conflicting classifications (1 of 4 stars). 4 submissions from 4 submitters: Uncertain significance (2); Benign (1). 1 of the submissions does not count toward it. Last evaluated 2026-01-05.

Conditions:
Karyomegalic interstitial nephritis. Identifiers: Orphanet 401996, MedGen C3553774, MONDO:0013898, OMIM 614817.
FAN1-related disorder. Also called: FAN1-related condition.

Allele frequency attached by ClinVar (database versions not stated): gnomAD exomes 0.00101 and 0.00045; gnomAD 0.00013; 1000 Genomes Project 0.00020; 1000 Genomes Project 30x 0.00031; TOPMed 0.00035; ExAC 0.00091.
gnomAD v4.1: 297 of 1,614,186 alleles (0.018%); highest among the groups gnomAD compares: Admixed American, 0.48%; no homozygotes.

Submissions (4):

Labcorp Genetics (formerly Invitae), Labcorp
Classification: Benign. Last evaluated: 2026-01-05. Review status: criteria provided, single submitter. Criteria: Invitae Variant Classification Sherloc (09022015). Collection method: clinical testing. Allele origin: germline.

Fulgent Genetics
Classification: Uncertain significance for Karyomegalic interstitial nephritis. Last evaluated: 2018-10-31. Review status: criteria provided, single submitter. Criteria: ACMG Guidelines, 2015. Collection method: clinical testing. Allele origin: unknown.

GeneDx
Classification: Uncertain significance. Last evaluated: 2016-11-16. Review status: criteria provided, single submitter. Criteria: GeneDx Variant Classification (06012015). Collection method: clinical testing. Allele origin: germline. Affected: yes.
Comment: The N364H variant in the FAN1 gene has not been reported previously as a pathogenic variant, nor as a benign variant, to our knowledge. The N364H variant was not observed in approximately 6500 individuals of European and African American ancestry in the NHLBI Exome Sequencing Project, indicating it is not a common benign variant in these populations. The N364H variant is a semi-conservative amino acid substitution, which may impact secondary protein structure as these residues differ in some properties. This substitution occurs at a position that is not conserved. In silico analysis predicts this variant likely does not alter the protein structure/function. We interpret N364H as a variant of uncertain significance.

PreventionGenetics, part of Exact Sciences
Classification: Likely benign for FAN1-related condition. Last evaluated: 2022-03-21. Review status: no assertion criteria provided. Collection method: clinical testing. Allele origin: germline. Not counted in ClinVar's aggregate classification.
Comment: This variant is classified as likely benign based on ACMG/AMP sequence variant interpretation guidelines (Richards et al. 2015 PMID: 25741868, with internal and published modifications).